The following is an entry in ClinVar:

NM_006904.7(PRKDC):c.10229T>G (p.Ile3410Ser)

Gene: PRKDC (protein kinase, DNA-activated, catalytic subunit; minus strand). Cytogenetic location: 8q11.21.
Variant type: single nucleotide variant.
Coding change: c.10229T>G on transcript NM_006904.7 (MANE Select); coding-DNA position 10229, T replaced by G.
Protein change: p.Ile3410Ser; replaces isoleucine 3410 with serine.
Molecular consequence: missense variant.
Genome position (GRCh38, 1-based): chr8:47,799,278, A>C on the plus strand (T>G on the coding strand, the complement: PRKDC is on the minus strand). VCF-style: chr8-47799278-A-C. GRCh37 (hg19) VCF-style: chr8-48711839-A-C.
Other names: c.10229T>G, p.Ile3410Ser (NM_001081640.2); short protein forms I3410S.
Identifiers: ClinVar variation 1763059 (VCV001763059.2), dbSNP rs1356141678, ClinGen allele CA371135281.

ClinVar aggregate classification (germline): Uncertain significance (1 of 4 stars; one submission).

Submission:

Ambry Genetics
Classification: Uncertain significance. Last evaluated: 2021-12-21. Review status: criteria provided, single submitter. Criteria: Ambry Variant Classification Scheme 2023. Collection method: clinical testing. Allele origin: germline.
Comment: The p.I3410S variant (also known as c.10229T>G), located in coding exon 72 of the PRKDC gene, results from a T to G substitution at nucleotide position 10229. The isoleucine at codon 3410 is replaced by serine, an amino acid with dissimilar properties. This amino acid position is conserved. In addition, this alteration is predicted to be tolerated by in silico analysis. Since supporting evidence is limited at this time, the clinical significance of this alteration remains unclear.